The following is an entry in ClinVar:

NM_201550.4(LRRC10):c.524C>T (p.Ser175Leu)

Gene: LRRC10 (leucine rich repeat containing 10; minus strand). Cytogenetic location: 12q15.
Variant type: single nucleotide variant.
Coding change: c.524C>T on transcript NM_201550.4 (MANE Select); coding-DNA position 524, C replaced by T.
Protein change: p.Ser175Leu; replaces serine 175 with leucine.
Molecular consequence: missense variant.
Genome position (GRCh38, 1-based): chr12:69,610,315, G>A on the plus strand (C>T on the coding strand, the complement: LRRC10 is on the minus strand). VCF-style: chr12-69610315-G-A. GRCh37 (hg19) VCF-style: chr12-70004095-G-A.
Other names: short protein forms S175L.
Identifiers: ClinVar variation 2343118 (VCV002343118.6), dbSNP rs142089369, ClinGen allele CA6681049.
Genomic context (GRCh38, chr12:69,610,315, plus strand): 5'-ATCACCTCCAGGAAGGGCATGTGAAGCAGCACAGTGGGAAAGTCAGTTAGCCGGTTGCCC[G>A]AGAGCCAGATGGTCCTCAGCTCCTGGAGGCGCCGGAGCTGGCCTGGCAGCAAACGCAGGG-3'
Protein context (NP_963844.2, residues 165-185): RLQELRTIWL[Ser175Leu]GNRLTDFPTV

ClinVar aggregate classification (germline): Conflicting classifications of pathogenicity. Review status: criteria provided, conflicting classifications (1 of 4 stars). 3 submissions from 3 submitters: Uncertain significance (2); Likely benign (1). Last evaluated 2024-09-25.

Allele frequency attached by ClinVar (database versions not stated): ExAC 0.00001; gnomAD 0.00001; ESP Exome Variant Server 0.00008.

Submissions (3):

Blueprint Genetics
Classification: Likely benign. Last evaluated: 2024-09-25. Review status: criteria provided, single submitter. Criteria: ACMG Guidelines, 2015. Collection method: clinical testing. Allele origin: germline.

Labcorp Genetics (formerly Invitae), Labcorp
Classification: Uncertain significance. Last evaluated: 2023-08-28. Review status: criteria provided, single submitter. Criteria: Invitae Variant Classification Sherloc (09022015). Collection method: clinical testing. Allele origin: germline.
Comment: ClinVar contains an entry for this variant (Variation ID: 2343118). An algorithm developed to predict the effect of missense changes on protein structure and function (PolyPhen-2) suggests that this variant is likely to be disruptive. In summary, the available evidence is currently insufficient to determine the role of this variant in disease. Therefore, it has been classified as a Variant of Uncertain Significance. This variant has not been reported in the literature in individuals affected with LRRC10-related conditions. This sequence change replaces serine, which is neutral and polar, with leucine, which is neutral and non-polar, at codon 175 of the LRRC10 protein (p.Ser175Leu). This variant is present in population databases (rs142089369, gnomAD 0.006%).

Ambry Genetics
Classification: Uncertain significance. Last evaluated: 2022-10-12. Review status: criteria provided, single submitter. Criteria: Ambry Variant Classification Scheme 2023. Collection method: clinical testing. Allele origin: germline.